The following is an entry in ClinVar:

ClinVar aggregate classification (germline): Uncertain significance (1 of 4 stars; one submission).

Conditions:
Peroxisome biogenesis disorder 2B (PBD2B). Identifiers: Orphanet 44, MedGen C3550234, MONDO:0008736, OMIM 202370.

Allele frequency attached by ClinVar (database versions not stated): gnomAD exomes below 0.00001.
gnomAD v4.1: 1 of 1,613,986 alleles (0.000062%); highest among the groups gnomAD compares: Non-Finnish European, 0.000085%; no homozygotes.

Submission:

Labcorp Genetics (formerly Invitae), Labcorp
Classification: Uncertain significance for Peroxisome biogenesis disorder 2B. Last evaluated: 2022-05-25. Review status: criteria provided, single submitter. Criteria: Invitae Variant Classification Sherloc (09022015). Collection method: clinical testing. Allele origin: germline.
Comment: This sequence change replaces aspartic acid, which is acidic and polar, with glutamic acid, which is acidic and polar, at codon 193 of the PEX5 protein (p.Asp193Glu). This variant is present in population databases (no rsID available, gnomAD 0.0009%). In summary, the available evidence is currently insufficient to determine the role of this variant in disease. Therefore, it has been classified as a Variant of Uncertain Significance. Algorithms developed to predict the effect of missense changes on protein structure and function (SIFT, PolyPhen-2, Align-GVGD) all suggest that this variant is likely to be tolerated. This variant has not been reported in the literature in individuals affected with PEX5-related conditions.

NM_001351132.2(PEX5):c.579T>A (p.Asp193Glu)

Gene: PEX5 (peroxisomal biogenesis factor 5; plus strand). Cytogenetic location: 12p13.31.
Variant type: single nucleotide variant.
Coding change: c.579T>A on transcript NM_001351132.2 (MANE Select); coding-DNA position 579, T replaced by A.
Protein change: p.Asp193Glu; replaces aspartic acid 193 with glutamic acid.
Molecular consequence: missense variant.
Genome position (GRCh38, 1-based): chr12:7,201,778, T>A. VCF-style: chr12-7201778-T-A. GRCh37 (hg19) VCF-style: chr12-7354374-T-A.
Other names: c.579T>A, p.Asp193Glu (NM_000319.5, NM_001131024.2, NM_001131025.2 and 19 more transcripts); c.624T>A, p.Asp208Glu (NM_001131023.2, NM_001351135.3, NM_001351138.2); short protein forms D193E, D208E.
Identifiers: ClinVar variation 1998461 (VCV001998461.4), dbSNP rs1312603372, ClinGen allele CA383721389.
Genomic context (GRCh38, chr12:7,201,778, plus strand): 5'-CTAATGTGTAAAATTAGTTCTTACCCGTTCCAGGTATGATGAATATCATCCTGAGGAGGA[T>A]CTGCAGCACACGGCCAGTGACTTTGTGGCCAAAGTGGATGACCCCAAATTGGCTAATTCT-3'
Protein context (NP_001338061.1, residues 183-203): RWYDEYHPEE[Asp193Glu]LQHTASDFVA